The following is an entry in ClinVar:

ClinVar aggregate classification (germline): Uncertain significance (1 of 4 stars; one submission).

Allele frequency attached by ClinVar (database versions not stated): TOPMed below 0.00001; gnomAD 0.00001.
gnomAD v4.1: 1 of 1,561,674 alleles (0.000064%); highest among the groups gnomAD compares: Non-Finnish European, 0.000087%; no homozygotes.

Submission:

GeneDx
Classification: Uncertain significance. Last evaluated: 2021-04-14. Review status: criteria provided, single submitter. Criteria: GeneDx Variant Classification Process June 2021. Collection method: clinical testing. Allele origin: germline. Affected: yes.
Comment: Not observed in large population cohorts (Lek et al., 2016); Has not been previously published as pathogenic or benign to our knowledge; In-silico analysis, which includes splice predictors and evolutionary conservation, is inconclusive as to whether the variant alters gene splicing. In the absence of RNA/functional studies, the actual effect of this sequence change is unknown.

NM_001042545.2(LTBP4):c.991+4A>C

Gene: LTBP4 (latent transforming growth factor beta binding protein 4; plus strand). Cytogenetic location: 19q13.2.
Variant type: single nucleotide variant.
Coding change: c.991+4A>C on transcript NM_001042545.2 (MANE Select); 4 bases into the intron after coding-DNA position 991, A replaced by C.
Molecular consequence: intron variant.
Genome position (GRCh38, 1-based): chr19:40,606,530, A>C. VCF-style: chr19-40606530-A-C. GRCh37 (hg19) VCF-style: chr19-41112436-A-C.
Other names: c.1081+4A>C (NM_003573.2); c.1192+4A>C (NM_001042544.1).
Identifiers: ClinVar variation 1314765 (VCV001314765.2), dbSNP rs1323716928, ClinGen allele CA882258792.